The following is an entry in ClinVar:

ClinVar aggregate classification (germline): Uncertain significance (1 of 4 stars; one submission).

Conditions:
Hereditary cancer-predisposing syndrome. Also called: Neoplastic Syndromes, Hereditary; Hereditary Cancer Syndrome; Hereditary neoplastic syndrome; Tumor predisposition. Identifiers: Orphanet 140162, MedGen C0027672, MeSH D009386, MONDO:0015356.

Submission:

Ambry Genetics
Classification: Uncertain significance for Hereditary cancer-predisposing syndrome. Last evaluated: 2025-07-10. Review status: criteria provided, single submitter. Criteria: Ambry Variant Classification Scheme 2023. Collection method: clinical testing. Allele origin: germline.
Comment: The p.Q720P variant (also known as c.2159A>C), located in coding exon 8 of the AXIN2 gene, results from an A to C substitution at nucleotide position 2159. The glutamine at codon 720 is replaced by proline, an amino acid with similar properties. This amino acid position is well conserved in available vertebrate species. In addition, the in silico prediction for this alteration is inconclusive. Based on the available evidence, the clinical significance of this variant remains unclear.

NM_004655.4(AXIN2):c.2159A>C (p.Gln720Pro)

Gene: AXIN2 (axin 2; minus strand). Cytogenetic location: 17q24.1.
Variant type: single nucleotide variant.
Coding change: c.2159A>C on transcript NM_004655.4 (MANE Select); coding-DNA position 2159, A replaced by C.
Protein change: p.Gln720Pro; replaces glutamine 720 with proline.
Molecular consequence: missense variant.
Genome position (GRCh38, 1-based): chr17:65,535,704, T>G on the plus strand (A>C on the coding strand, the complement: AXIN2 is on the minus strand). VCF-style: chr17-65535704-T-G. GRCh37 (hg19) VCF-style: chr17-63531822-T-G.
Other names: c.1964A>C, p.Gln655Pro (NM_001363813.1); short protein forms Q655P, Q720P.
Identifiers: ClinVar variation 2566139 (VCV002566139.3), dbSNP rs1060502147, ClinGen allele CA400675851.